The following is an entry in ClinVar:

NM_016358.3(IRX4):c.992C>T (p.Ala331Val)

Gene: IRX4 (iroquois homeobox 4; minus strand). Cytogenetic location: 5p15.33.
Variant type: single nucleotide variant.
Coding change: c.992C>T on transcript NM_016358.3 (MANE Select); coding-DNA position 992, C replaced by T.
Protein change: p.Ala331Val; replaces alanine 331 with valine.
Molecular consequence: missense variant.
Genome position (GRCh38, 1-based): chr5:1,878,537, G>A on the plus strand (C>T on the coding strand, the complement: IRX4 is on the minus strand). VCF-style: chr5-1878537-G-A. GRCh37 (hg19) VCF-style: chr5-1878651-G-A.
Other names: c.992C>T, p.Ala331Val (NM_001278632.1, NM_001278634.2); c.1070C>T, p.Ala357Val (NM_001278633.1, NM_001278635.2); short protein forms A331V, A357V.
Identifiers: ClinVar variation 1315233 (VCV001315233.2), dbSNP rs1007186472, ClinGen allele CA113029243.

ClinVar aggregate classification (germline): Uncertain significance (1 of 4 stars; one submission).

Allele frequency attached by ClinVar (database versions not stated): gnomAD exomes 0.00001; TOPMed 0.00002; gnomAD 0.00003.
gnomAD v4.1: 12 of 1,451,122 alleles (0.00083%); highest among the groups gnomAD compares: African/African-American, 0.0089%; no homozygotes.

Submission:

GeneDx
Classification: Uncertain significance. Last evaluated: 2020-01-30. Review status: criteria provided, single submitter. Criteria: GeneDx Variant Classification Process June 2021. Collection method: clinical testing. Allele origin: germline. Affected: yes.
Comment: Not observed in large population cohorts (Lek et al., 2016); In silico analysis supports that this missense variant does not alter protein structure/function; Has not been previously published as pathogenic or benign to our knowledge